The following is an entry in ClinVar:

NM_000179.3(MSH6):c.680G>T (p.Ser227Ile)

Gene: MSH6 (mutS homolog 6; plus strand). Cytogenetic location: 2p16.3.
Variant type: single nucleotide variant.
Coding change: c.680G>T on transcript NM_000179.3 (MANE Select); coding-DNA position 680, G replaced by T.
Protein change: p.Ser227Ile; replaces serine 227 with isoleucine.
Molecular consequence: missense variant. On other transcripts: 5 prime UTR variant (2).
Genome position (GRCh38, 1-based): chr2:47,798,663, G>T. VCF-style: chr2-47798663-G-T. GRCh37 (hg19) VCF-style: chr2-48025802-G-T.
Other names: c.290G>T, p.Ser97Ile (NM_001281492.2); c.-227G>T (NM_001281493.2, NM_001281494.2); short protein forms S227I, S97I.
Identifiers: ClinVar variation 89555 (VCV000089555.12), dbSNP rs587779317, ClinGen allele CA016239.

ClinVar aggregate classification (germline): Uncertain significance (1 of 4 stars; one submission).

Conditions:
Hereditary nonpolyposis colorectal neoplasms. Identifiers: MedGen C0009405, MeSH D003123.

gnomAD v4.1: 1 of 1,613,580 alleles (0.000062%); highest among the groups gnomAD compares: Non-Finnish European, 0.000085%; no homozygotes.

Submission:

Labcorp Genetics (formerly Invitae), Labcorp
Classification: Uncertain significance for Hereditary nonpolyposis colorectal neoplasms. Last evaluated: 2019-05-02. Review status: criteria provided, single submitter. Criteria: Invitae Variant Classification Sherloc (09022015). Collection method: clinical testing. Allele origin: germline.
Comment: This sequence change replaces serine with isoleucine at codon 227 of the MSH6 protein (p.Ser227Ile). The serine residue is weakly conserved and there is a large physicochemical difference between serine and isoleucine. In summary, the available evidence is currently insufficient to determine the role of this variant in disease. Therefore, it has been classified as a Variant of Uncertain Significance. This variant has been reported not to substantially affect MSH6 protein function (PMID: 21437237). This variant has been observed in a family affected with colorectal cancer (PMID: 16341805). ClinVar contains an entry for this variant (Variation ID: 89555). This variant is not present in population databases (ExAC no frequency).

Literature cited by the submitters: PubMed 21437237; PubMed 16341805.